The following is an entry in ClinVar:

ClinVar aggregate classification (germline): Uncertain significance (1 of 4 stars; one submission).

Conditions:
Nephronophthisis. Also called: Juvenile Nephronophthisis. Identifiers: Orphanet 655, MedGen C0687120, MONDO:0019005, HP:0000090.

Submission:

Labcorp Genetics (formerly Invitae), Labcorp
Classification: Uncertain significance for Nephronophthisis. Last evaluated: 2023-05-22. Review status: criteria provided, single submitter. Criteria: Invitae Variant Classification Sherloc (09022015). Collection method: clinical testing. Allele origin: germline.
Comment: This sequence change replaces serine, which is neutral and polar, with threonine, which is neutral and polar, at codon 129 of the NPHP1 protein (p.Ser129Thr). This variant is not present in population databases (gnomAD no frequency). In summary, the available evidence is currently insufficient to determine the role of this variant in disease. Therefore, it has been classified as a Variant of Uncertain Significance. Advanced modeling of protein sequence and biophysical properties (such as structural, functional, and spatial information, amino acid conservation, physicochemical variation, residue mobility, and thermodynamic stability) performed at Invitae indicates that this missense variant is not expected to disrupt NPHP1 protein function. ClinVar contains an entry for this variant (Variation ID: 1715639). This variant has not been reported in the literature in individuals affected with NPHP1-related conditions.

NM_001128178.3(NPHP1):c.386G>C (p.Ser129Thr)

Gene: NPHP1 (nephrocystin 1; minus strand). Cytogenetic location: 2q13.
Variant type: single nucleotide variant.
Coding change: c.386G>C on transcript NM_001128178.3 (MANE Select); coding-DNA position 386, G replaced by C.
Protein change: p.Ser129Thr; replaces serine 129 with threonine.
Molecular consequence: missense variant.
Genome position (GRCh38, 1-based): chr2:110,169,942, C>G on the plus strand (G>C on the coding strand, the complement: NPHP1 is on the minus strand). VCF-style: chr2-110169942-C-G. GRCh37 (hg19) VCF-style: chr2-110927519-C-G.
Other names: c.386G>C, p.Ser129Thr (NM_000272.5, NM_001374256.1, NM_001374257.1 and 1 more transcripts); c.200G>C, p.Ser67Thr (NM_001128179.3); short protein forms S129T, S67T.
Identifiers: ClinVar variation 1715639 (VCV001715639.5), dbSNP rs2467404921, ClinGen allele CA348093087.